The following is an entry in ClinVar:

NM_000368.5(TSC1):c.3417C>A (p.His1139Gln)

Gene: TSC1 (TSC complex subunit 1; minus strand). Cytogenetic location: 9q34.13.
Variant type: single nucleotide variant.
Coding change: c.3417C>A on transcript NM_000368.5 (MANE Select); coding-DNA position 3417, C replaced by A.
Protein change: p.His1139Gln; replaces histidine 1139 with glutamine.
Molecular consequence: missense variant.
Genome position (GRCh38, 1-based): chr9:132,896,313, G>T on the plus strand (C>A on the coding strand, the complement: TSC1 is on the minus strand). VCF-style: chr9-132896313-G-T. GRCh37 (hg19) VCF-style: chr9-135771700-G-T.
Other names: c.3414C>A, p.His1138Gln (NM_001162426.2); c.3264C>A, p.His1088Gln (NM_001162427.2); c.3054C>A, p.His1018Gln (NM_001362177.2); short protein forms H1018Q, H1139Q, H1088Q, H1138Q.
Identifiers: ClinVar variation 823748 (VCV000823748.20), dbSNP rs756737864, ClinGen allele CA036855.

ClinVar aggregate classification (germline): Conflicting classifications of pathogenicity. Review status: criteria provided, conflicting classifications (1 of 4 stars). 5 submissions from 5 submitters: Uncertain significance (4); Likely benign (1). Last evaluated 2026-06-01.

Conditions:
Tuberous sclerosis 1 (TSC1). Identifiers: Orphanet 805, MedGen C1854465, MONDO:0008612, OMIM 191100.
Hereditary cancer-predisposing syndrome. Also called: Tumor predisposition; Hereditary neoplastic syndrome; Neoplastic Syndromes, Hereditary; Hereditary Cancer Syndrome. Identifiers: Orphanet 140162, MedGen C0027672, MeSH D009386, MONDO:0015356.

Submissions (5):

CeGaT Center for Human Genetics Tuebingen
Classification: Uncertain significance. Last evaluated: 2026-06-01. Review status: criteria provided, single submitter. Criteria: CeGaT Center For Human Genetics Tuebingen Variant Classification Criteria Version 2. Collection method: clinical testing. Allele origin: germline. Affected: yes. Observed: 1 variant allele.
Comment: TSC1: PM2, PP2, BP4

Labcorp Genetics (formerly Invitae), Labcorp
Classification: Uncertain significance for Tuberous sclerosis 1. Last evaluated: 2026-01-20. Review status: criteria provided, single submitter. Criteria: Invitae Variant Classification Sherloc (09022015). Collection method: clinical testing. Allele origin: germline.
Comment: This sequence change replaces histidine, which is basic and polar, with glutamine, which is neutral and polar, at codon 1139 of the TSC1 protein (p.His1139Gln). This variant is present in population databases (rs756737864, gnomAD no frequency). This variant has not been reported in the literature in individuals affected with TSC1-related conditions. ClinVar contains an entry for this variant (Variation ID: 823748). Invitae Evidence Modeling of protein sequence and biophysical properties (such as structural, functional, and spatial information, amino acid conservation, physicochemical variation, residue mobility, and thermodynamic stability) indicates that this missense variant is not expected to disrupt TSC1 protein function with a negative predictive value of 95%. In summary, the available evidence is currently insufficient to determine the role of this variant in disease. Therefore, it has been classified as a Variant of Uncertain Significance.

Ambry Genetics
Classification: Likely benign for Hereditary cancer-predisposing syndrome. Last evaluated: 2025-03-27. Review status: criteria provided, single submitter. Criteria: Ambry Variant Classification Scheme 2023. Collection method: clinical testing. Allele origin: germline.

Genome-Nilou Lab
Classification: Uncertain significance for Tuberous sclerosis 1. Last evaluated: 2021-11-07. Review status: criteria provided, single submitter. Criteria: ACMG Guidelines, 2015. Collection method: clinical testing. Allele origin: germline. Affected: no.

GeneDx
Classification: Uncertain significance. Last evaluated: 2019-09-23. Review status: criteria provided, single submitter. Criteria: GeneDx Variant Classification Process June 2021. Collection method: clinical testing. Allele origin: germline. Affected: yes.
Comment: Not observed in large population cohorts (Lek et al., 2016); In silico analysis, which includes protein predictors and evolutionary conservation, supports that this variant does not alter protein structure/function; Has not been previously published as pathogenic or benign to our knowledge